The following is an entry in ClinVar:

ClinVar aggregate classification (germline): Pathogenic. Review status: criteria provided, multiple submitters, no conflicts (2 of 4 stars). 2 submissions from 2 submitters: Pathogenic (2). Last evaluated 2023-08-21.

Conditions:
Hereditary cancer-predisposing syndrome. Also called: Neoplastic Syndromes, Hereditary; Tumor predisposition; Hereditary Cancer Syndrome; Hereditary neoplastic syndrome. Identifiers: Orphanet 140162, MedGen C0027672, MeSH D009386, MONDO:0015356.
Lynch syndrome 5 (LYNCH5). Also called: Colorectal cancer, hereditary nonpolyposis, type 5; Hereditary non-polyposis colorectal cancer, type 5. Identifiers: Orphanet 144, MedGen C1833477, MONDO:0013710, OMIM 614350. Disease mechanism: loss of function.

Submissions (2):

Myriad Genetics, Inc.
Classification: Pathogenic for Lynch syndrome 5. Last evaluated: 2023-08-21. Review status: criteria provided, single submitter. Criteria: Myriad Autosomal Dominant, Autosomal Recessive and X-Linked Classification Criteria (2023). Collection method: clinical testing. Allele origin: unknown.
Comment: This variant is considered pathogenic. This variant creates a frameshift predicted to result in premature protein truncation.

Ambry Genetics
Classification: Pathogenic for Hereditary cancer-predisposing syndrome. Last evaluated: 2020-03-12. Review status: criteria provided, single submitter. Criteria: Ambry Variant Classification Scheme 2023. Collection method: clinical testing. Allele origin: germline.
Comment: The c.2999delA pathogenic mutation, located in coding exon 4 of the MSH6 gene, results from a deletion of one nucleotide at nucleotide position 2999, causing a translational frameshift with a predicted alternate stop codon (p.K1000Rfs*20). This alteration is expected to result in loss of function by premature protein truncation or nonsense-mediated mRNA decay. As such, this alteration is interpreted as a disease-causing mutation.

NM_000179.3(MSH6):c.2999del (p.Lys1000fs)

Gene: MSH6 (mutS homolog 6; plus strand). Cytogenetic location: 2p16.3.
Variant type: Deletion.
Coding change: c.2999del on transcript NM_000179.3 (MANE Select); coding-DNA position 2999, one base deleted (A; older notation c.2999delA).
Protein change: p.Lys1000fs; shifts the reading frame from lysine 1000.
Molecular consequence: frameshift variant.
Genome position (GRCh38, 1-based): chr2:47,800,982, A deleted; the last of 2 consecutive A bases (chr2:47,800,981-47,800,982); deleting either gives the same sequence. VCF-style (leftmost placement, unchanged base first): chr2-47800980-CA-C. GRCh37 (hg19) VCF-style: chr2-48028119-CA-C.
Other names: c.2609del, p.Lys870fs (NM_001281492.2); c.2093del, p.Lys698fs (NM_001281493.2, NM_001281494.2); c.3095delA, p.Lys1032Argfs (NM_001406795.1, NM_001406802.1); c.2999delA, p.Lys1000Argfs (NM_001406796.1, NM_001406798.1, NM_001406800.1 and 2 more transcripts); c.2702delA, p.Lys901Argfs (NM_001406797.1, NM_001406801.1, NM_001406805.1 and 10 more transcripts); c.2474delA, p.Lys825Argfs (NM_001406799.1, NM_001406806.1, NM_001406807.1); c.2921delA, p.Lys974Argfs (NM_001406804.1); c.2093delA, p.Lys698Argfs (NM_001406811.1, NM_001406812.1, NM_001406814.1 and 4 more transcripts); and 3 more; short protein forms K1000fs, K698fs, K870fs.
Identifiers: ClinVar variation 1798600 (VCV001798600.3), dbSNP rs2530706795, ClinGen allele CA2580068118.